The following is an entry in ClinVar:

NM_020778.5(ALPK3):c.1653+268A>G

Genes: ALPK3 (alpha kinase 3; plus strand), LOC111718493 (skeletal muscle cis-regulatory module overlapping ALPK3; plus strand). Cytogenetic location: 15q25.3.
Variant type: single nucleotide variant.
Coding change: c.1653+268A>G on transcript NM_020778.5 (MANE Select); 268 bases into the intron after coding-DNA position 1653, A replaced by G.
Molecular consequence: intron variant.
Genome position (GRCh38, 1-based): chr15:84,841,200, A>G. VCF-style: chr15-84841200-A-G. GRCh37 (hg19) VCF-style: chr15-85384431-A-G.
Identifiers: ClinVar variation 683073 (VCV000683073.1), dbSNP rs7163882, ClinGen allele CA14109041.
Genomic context (GRCh38, chr15:84,841,200, plus strand): 5'-TGTGACCCTCTTCTGGGAGTGTAGGAGTTCACAGCCAAGGGGACTGTGCCCCGGAGGGAG[A>G]TGGAAGAAGATAATGTTCTCTGGGGTGGGAAAGGGGGCCAGTGGAGAGCTTTCTGTGGGC-3'

ClinVar aggregate classification (germline): Benign (1 of 4 stars; one submission).

Allele frequency attached by ClinVar (database versions not stated): gnomAD 0.84227 and 0.84390; TOPMed 0.84603; 1000 Genomes Project 30x 0.85962; 1000 Genomes Project 0.86382.

Submission:

GeneDx
Classification: Benign. Last evaluated: 2018-06-18. Review status: criteria provided, single submitter. Criteria: GeneDx Variant Classification (06012015). Collection method: clinical testing. Allele origin: germline. Affected: yes.
Comment: This variant is considered likely benign or benign based on one or more of the following criteria: it is a conservative change, it occurs at a poorly conserved position in the protein, it is predicted to be benign by multiple in silico algorithms, and/or has population frequency not consistent with disease.